The following is an entry in ClinVar:

NM_016507.4(CDK12):c.4016G>A (p.Gly1339Glu)

Gene: CDK12 (cyclin dependent kinase 12; plus strand). Cytogenetic location: 17q12.
Variant type: single nucleotide variant.
Coding change: c.4016G>A on transcript NM_016507.4 (MANE Select); coding-DNA position 4016, G replaced by A.
Protein change: p.Gly1339Glu; replaces glycine 1339 with glutamic acid.
Molecular consequence: missense variant.
Genome position (GRCh38, 1-based): chr17:39,530,859, G>A. VCF-style: chr17-39530859-G-A. GRCh37 (hg19) VCF-style: chr17-37687112-G-A.
Other names: c.3989G>A, p.Gly1330Glu (NM_015083.4); short protein forms G1330E, G1339E.
Identifiers: ClinVar variation 3265424 (VCV003265424.2).

ClinVar aggregate classification (germline): Uncertain significance (1 of 4 stars; one submission).

Submission:

Ambry Genetics
Classification: Uncertain significance. Last evaluated: 2024-12-09. Review status: criteria provided, single submitter. Criteria: Ambry Variant Classification Scheme 2023. Collection method: clinical testing. Allele origin: germline.
Comment: The p.G1339E variant (also known as c.4016G>A), located in coding exon 14 of the CDK12 gene, results from a G to A substitution at nucleotide position 4016. The glycine at codon 1339 is replaced by glutamic acid, an amino acid with similar properties. This amino acid position is conserved. In addition, the in silico prediction for this alteration is inconclusive. Based on the available evidence, the clinical significance of this variant remains unclear.